The following is an entry in ClinVar:

NM_022437.3(ABCG8):c.6C>T (p.Ala2=)

Genes: ABCG5 (ATP binding cassette subfamily G member 5; minus strand), ABCG8 (ATP binding cassette subfamily G member 8; plus strand). Cytogenetic location: 2p21.
Variant type: single nucleotide variant.
Coding change: c.6C>T on transcript NM_022437.3 (MANE Select); coding-DNA position 6, C replaced by T.
Protein change: p.Ala2=; no amino-acid change (alanine 2 retained).
Molecular consequence: synonymous variant.
Genome position (GRCh38, 1-based): chr2:43,839,059, C>T. VCF-style: chr2-43839059-C-T. GRCh37 (hg19) VCF-style: chr2-44066198-C-T.
Other names: c.6C>T, p.Ala2= (NM_001357321.2).
Identifiers: ClinVar variation 1756601 (VCV001756601.10), dbSNP rs954982677, ClinGen allele CA46426847.

ClinVar aggregate classification (germline): Likely benign. Review status: criteria provided, multiple submitters, no conflicts (2 of 4 stars). 4 submissions from 4 submitters: Likely benign (3). 1 of the submissions does not count toward it. Last evaluated 2025-06-08.

Conditions:
Cardiovascular phenotype. Identifiers: MedGen CN230736.
ABCG8-related disorder. Also called: ABCG8-related condition.

gnomAD v4.1: 125 of 1,550,838 alleles (0.0081%); highest among the groups gnomAD compares: Non-Finnish European, 0.0099%; no homozygotes.

Submissions (4):

Labcorp Genetics (formerly Invitae), Labcorp
Classification: Likely benign. Last evaluated: 2025-06-08. Review status: criteria provided, single submitter. Criteria: Invitae Variant Classification Sherloc (09022015). Collection method: clinical testing. Allele origin: germline.

Blueprint Genetics
Classification: Likely benign. Last evaluated: 2023-10-03. Review status: criteria provided, single submitter. Criteria: ACMG Guidelines, 2015. Collection method: clinical testing. Allele origin: germline.

Ambry Genetics
Classification: Likely benign for Cardiovascular phenotype. Last evaluated: 2020-01-16. Review status: criteria provided, single submitter. Criteria: Ambry Variant Classification Scheme 2023. Collection method: clinical testing. Allele origin: germline.

PreventionGenetics, part of Exact Sciences
Classification: Likely benign for ABCG8-related condition. Last evaluated: 2021-09-27. Review status: no assertion criteria provided. Collection method: clinical testing. Allele origin: germline. Not counted in ClinVar's aggregate classification.
Comment: This variant is classified as likely benign based on ACMG/AMP sequence variant interpretation guidelines (Richards et al. 2015 PMID: 25741868, with internal and published modifications).